The following is an entry in ClinVar:

NM_005413.4(SIX3):c.20del (p.Leu7fs)

Gene: SIX3 (SIX homeobox 3; plus strand). Cytogenetic location: 2p21.
Variant type: Deletion.
Coding change: c.20del on transcript NM_005413.4 (MANE Select); coding-DNA position 20, one base deleted (T; older notation c.20delT).
Protein change: p.Leu7fs; shifts the reading frame from leucine 7.
Molecular consequence: frameshift variant.
Genome position (GRCh38, 1-based): chr2:44,942,124, T deleted. VCF-style (leftmost placement, unchanged base first): chr2-44942123-CT-C. GRCh37 (hg19) VCF-style: chr2-45169262-CT-C.
Other names: c.20del (NM_005413.3); short protein forms L7fs.
Identifiers: ClinVar variation 2729808 (VCV002729808.7), dbSNP rs1403385518, ClinGen allele CA769176718.

ClinVar aggregate classification (germline): Conflicting classifications of pathogenicity. Review status: criteria provided, conflicting classifications (1 of 4 stars). 3 submissions from 3 submitters: Pathogenic (1); Likely pathogenic (1); Uncertain significance (1). Last evaluated 2026-09-29.

Conditions:
Holoprosencephaly 2 (HPE2). Identifiers: Orphanet 2162, MedGen C1834877, MONDO:0007999, OMIM 157170.

Allele frequency attached by ClinVar (database versions not stated): TOPMed 0.00001.

Submissions (3):

GeneDx
Classification: Likely pathogenic. Last evaluated: 2026-09-29. Review status: criteria provided, single submitter. Criteria: GeneDx Variant Classification Process June 2021. Collection method: clinical testing. Allele origin: germline.
Comment: Frameshift variant predicted to result in abnormal protein length as the last 326 amino acid(s) are replaced with 243 different amino acid(s), and other similar variants have been reported in HGMD; Not observed at significant frequency in large population cohorts (gnomAD); Has not been previously published as pathogenic or benign to our knowledge

Blueprint Genetics
Classification: Uncertain significance. Last evaluated: 2024-07-19. Review status: criteria provided, single submitter. Criteria: ACMG Guidelines, 2015. Collection method: clinical testing. Allele origin: germline.

Labcorp Genetics (formerly Invitae), Labcorp
Classification: Pathogenic for Holoprosencephaly 2. Last evaluated: 2023-07-17. Review status: criteria provided, single submitter. Criteria: Invitae Variant Classification Sherloc (09022015). Collection method: clinical testing. Allele origin: germline.
Comment: For these reasons, this variant has been classified as Pathogenic. This variant has not been reported in the literature in individuals affected with SIX3-related conditions. This variant is not present in population databases (gnomAD no frequency). This sequence change creates a premature translational stop signal (p.Leu7Glnfs*244) in the SIX3 gene. It is expected to result in an absent or disrupted protein product. Loss-of-function variants in SIX3 are known to be pathogenic (PMID: 18791198).

Literature cited by the submitters: PubMed 18791198 (cited by Labcorp Genetics (formerly Invitae), Labcorp).